The following is an entry in ClinVar:

NM_002354.3(EPCAM):c.133C>G (p.Gln45Glu)

Gene: EPCAM (epithelial cell adhesion molecule; plus strand). Cytogenetic location: 2p21.
Variant type: single nucleotide variant.
Coding change: c.133C>G on transcript NM_002354.3 (MANE Select); coding-DNA position 133, C replaced by G.
Protein change: p.Gln45Glu; replaces glutamine 45 with glutamic acid.
Molecular consequence: missense variant.
Genome position (GRCh38, 1-based): chr2:47,373,519, C>G. VCF-style: chr2-47373519-C-G. GRCh37 (hg19) VCF-style: chr2-47600658-C-G.
Other names: short protein forms Q45E.
Identifiers: ClinVar variation 4249686 (VCV004249686.1).

ClinVar aggregate classification (germline): Uncertain significance (1 of 4 stars; one submission).

Conditions:
Hereditary cancer-predisposing syndrome. Also called: Hereditary Cancer Syndrome; Hereditary neoplastic syndrome; Neoplastic Syndromes, Hereditary; Tumor predisposition. Identifiers: Orphanet 140162, MedGen C0027672, MeSH D009386, MONDO:0015356.

gnomAD v4.1: 1 of 1,613,800 alleles (0.000062%); highest among the groups gnomAD compares: Non-Finnish European, 0.000085%; no homozygotes.

Submission:

Ambry Genetics
Classification: Uncertain significance for Hereditary cancer-predisposing syndrome. Last evaluated: 2025-08-02. Review status: criteria provided, single submitter. Criteria: Ambry Variant Classification Scheme 2023. Collection method: clinical testing. Allele origin: germline.
Comment: The p.Q45E variant (also known as c.133C>G), located in coding exon 2 of the EPCAM gene, results from a C to G substitution at nucleotide position 133. The glutamine at codon 45 is replaced by glutamic acid, an amino acid with highly similar properties. This amino acid position is conserved. In addition, this alteration is predicted to be tolerated by in silico analysis. Based on the available evidence, the clinical significance of this variant remains unclear.